The following is an entry in ClinVar:

ClinVar aggregate classification (germline): Uncertain significance (1 of 4 stars; one submission).

Submission:

Labcorp Genetics (formerly Invitae), Labcorp
Classification: Uncertain significance. Last evaluated: 2021-12-06. Review status: criteria provided, single submitter. Criteria: Invitae Variant Classification Sherloc (09022015). Collection method: clinical testing. Allele origin: germline.
Comment: In summary, the available evidence is currently insufficient to determine the role of this variant in disease. Therefore, it has been classified as a Variant of Uncertain Significance. Algorithms developed to predict the effect of missense changes on protein structure and function are either unavailable or do not agree on the potential impact of this missense change (SIFT: "Deleterious"; PolyPhen-2: "Probably Damaging"; Align-GVGD: "Class C0"). This variant has not been reported in the literature in individuals affected with SCN3A-related conditions. This variant is not present in population databases (gnomAD no frequency). This sequence change replaces aspartic acid, which is acidic and polar, with histidine, which is basic and polar, at codon 1977 of the SCN3A protein (p.Asp1977His).

NM_006922.4(SCN3A):c.5929G>C (p.Asp1977His)

Gene: SCN3A (sodium voltage-gated channel alpha subunit 3; minus strand). Cytogenetic location: 2q24.3.
Variant type: single nucleotide variant.
Coding change: c.5929G>C on transcript NM_006922.4 (MANE Select); coding-DNA position 5929, G replaced by C.
Protein change: p.Asp1977His; replaces aspartic acid 1977 with histidine.
Molecular consequence: missense variant.
Genome position (GRCh38, 1-based): chr2:165,090,224, C>G on the plus strand (G>C on the coding strand, the complement: SCN3A is on the minus strand). VCF-style: chr2-165090224-C-G. GRCh37 (hg19) VCF-style: chr2-165946734-C-G.
Other names: c.5782G>C, p.Asp1928His (NM_001081676.2, NM_001081677.2); short protein forms D1977H, D1928H.
Identifiers: ClinVar variation 1396447 (VCV001396447.6), dbSNP rs2105615668, ClinGen allele CA349009180.